The following is an entry in ClinVar:

ClinVar aggregate classification (germline): Uncertain significance. Review status: criteria provided, single submitter (1 of 4 stars). 2 submissions from 2 submitters: Uncertain significance (1). 1 of the submissions does not count toward it. Last evaluated 2026-06-01.

Conditions:
FAH-related disorder. Also called: FAH-related condition.
Tyrosinemia type I (TYRSN1). Also called: Tyrosinemia type 1; Fumarylacetoacetase deficiency; Deficiency of fumarylacetoacetase; FAH DEFICIENCY; HEPATORENAL TYROSINEMIA. Identifiers: Orphanet 882, MedGen C0268490, MONDO:0010161, OMIM 276700. Disease mechanism: loss of function.

gnomAD v4.1: 1 of 1,614,230 alleles (0.000062%); highest among the groups gnomAD compares: Non-Finnish European, 0.000085%; no homozygotes.

Submissions (2):

PreventionGenetics, part of Exact Sciences
Classification: Uncertain significance for FAH-related condition. Last evaluated: 2026-06-01. Review status: criteria provided, single submitter. Criteria: ACMG Guidelines, 2015. Collection method: clinical testing. Allele origin: germline.
Comment: The FAH c.785G>C variant is predicted to result in the amino acid substitution p.Trp262Ser. To our knowledge, this variant has not been reported in the literature or in a large population database (gnomAD), indicating this variant is rare. At this time, the clinical significance of this variant is uncertain due to the absence of conclusive functional and genetic evidence.

Natera, Inc.
Classification: Uncertain significance for Tyrosinemia type I. Last evaluated: 2025-03-03. Review status: no assertion criteria provided. Collection method: clinical testing. Allele origin: germline. Not counted in ClinVar's aggregate classification.

NM_000137.4(FAH):c.785G>C (p.Trp262Ser)

Gene: FAH (fumarylacetoacetate hydrolase; plus strand). Cytogenetic location: 15q25.1.
Variant type: single nucleotide variant.
Coding change: c.785G>C on transcript NM_000137.4 (MANE Select); coding-DNA position 785, G replaced by C.
Protein change: p.Trp262Ser; replaces tryptophan 262 with serine.
Molecular consequence: missense variant.
Genome position (GRCh38, 1-based): chr15:80,173,092, G>C. VCF-style: chr15-80173092-G-C. GRCh37 (hg19) VCF-style: chr15-80465434-G-C.
Other names: c.785G>C, p.Trp262Ser (NM_001374377.1, NM_001374380.1); short protein forms W262S.
Identifiers: ClinVar variation 4067862 (VCV004067862.2).